The following is an entry in ClinVar:

ClinVar aggregate classification (germline): Uncertain significance. Review status: criteria provided, multiple submitters, no conflicts (2 of 4 stars). 2 submissions from 2 submitters: Uncertain significance (2). Last evaluated 2025-05-03.

Conditions:
Inborn genetic diseases. Identifiers: MedGen C0950123, MeSH D030342.

Allele frequency attached by ClinVar (database versions not stated): ESP Exome Variant Server 0.00023; TOPMed 0.00031; 1000 Genomes Project 0.00040; 1000 Genomes Project 30x 0.00047; gnomAD 0.00031.
gnomAD v4.1: 94 of 1,608,934 alleles (0.0058%); highest among the groups gnomAD compares: African/African-American, 0.11%; no homozygotes.

Submissions (2):

Ambry Genetics
Classification: Uncertain significance for Inborn genetic diseases. Last evaluated: 2025-05-03. Review status: criteria provided, single submitter. Criteria: Ambry Variant Classification Scheme 2023. Collection method: clinical testing. Allele origin: germline.

Labcorp Genetics (formerly Invitae), Labcorp
Classification: Uncertain significance. Last evaluated: 2022-03-13. Review status: criteria provided, single submitter. Criteria: Invitae Variant Classification Sherloc (09022015). Collection method: clinical testing. Allele origin: germline.
Comment: This sequence change replaces lysine, which is basic and polar, with asparagine, which is neutral and polar, at codon 2604 of the ASPM protein (p.Lys2604Asn). This variant is present in population databases (rs369991422, gnomAD 0.1%). This variant has not been reported in the literature in individuals affected with ASPM-related conditions. Algorithms developed to predict the effect of missense changes on protein structure and function are either unavailable or do not agree on the potential impact of this missense change (SIFT: "Tolerated"; PolyPhen-2: "Possibly Damaging"; Align-GVGD: "Class C0"). In summary, the available evidence is currently insufficient to determine the role of this variant in disease. Therefore, it has been classified as a Variant of Uncertain Significance.

NM_018136.5(ASPM):c.7812A>T (p.Lys2604Asn)

Gene: ASPM (assembly factor for spindle microtubules; minus strand). Cytogenetic location: 1q31.3.
Variant type: single nucleotide variant.
Coding change: c.7812A>T on transcript NM_018136.5 (MANE Select); coding-DNA position 7812, A replaced by T.
Protein change: p.Lys2604Asn; replaces lysine 2604 with asparagine.
Molecular consequence: missense variant. On other transcripts: intron variant (1).
Genome position (GRCh38, 1-based): chr1:197,101,439, T>A on the plus strand (A>T on the coding strand, the complement: ASPM is on the minus strand). VCF-style: chr1-197101439-T-A. GRCh37 (hg19) VCF-style: chr1-197070569-T-A.
Other names: c.4066-5275A>T (NM_001206846.2); c.7812A>T (NM_018136.4); short protein forms K2604N.
Identifiers: ClinVar variation 2077547 (VCV002077547.2), dbSNP rs369991422, ClinGen allele CA1309333.